The following is an entry in ClinVar:

ClinVar aggregate classification (germline): Uncertain significance (1 of 4 stars; one submission).

Conditions:
Alpha thalassemia-X-linked intellectual disability syndrome (ATRX). Also called: ALPHA-THALASSEMIA/MENTAL RETARDATION SYNDROME, X-LINKED; ATR, NONDELETION TYPE; ATR-X syndrome; Alpha thalassemia mental retardation syndrome, nondeletion type, X-linked; XLMR hypotonic face syndrome; X-linked alpha-thalassemia-mental retardation syndrome. Identifiers: Orphanet 847, MedGen C1845055, MONDO:0010519, OMIM 301040.

Allele frequency attached by ClinVar (database versions not stated): ExAC 0.00001; gnomAD exomes 0.00001 and below 0.00001; TOPMed 0.00001.

Submission:

Labcorp Genetics (formerly Invitae), Labcorp
Classification: Uncertain significance for Alpha thalassemia-X-linked intellectual disability syndrome. Last evaluated: 2020-03-30. Review status: criteria provided, single submitter. Criteria: Invitae Variant Classification Sherloc (09022015). Collection method: clinical testing. Allele origin: germline.
Comment: In summary, the available evidence is currently insufficient to determine the role of this variant in disease. Therefore, it has been classified as a Variant of Uncertain Significance. Algorithms developed to predict the effect of missense changes on protein structure and function are either unavailable or do not agree on the potential impact of this missense change (SIFT: "Deleterious"; PolyPhen-2: "Probably Damaging"; Align-GVGD: "Class C0"). This variant has not been reported in the literature in individuals with ATRX-related conditions. This sequence change replaces glycine with valine at codon 1152 of the ATRX protein (p.Gly1152Val). The glycine residue is moderately conserved and there is a moderate physicochemical difference between glycine and valine. This variant is present in population databases (rs782023982, ExAC 0.002%).

NM_000489.6(ATRX):c.3455G>T (p.Gly1152Val)

Gene: ATRX (ATRX chromatin remodeler; minus strand). Cytogenetic location: Xq21.1.
Variant type: single nucleotide variant.
Coding change: c.3455G>T on transcript NM_000489.6 (MANE Select); coding-DNA position 3455, G replaced by T.
Protein change: p.Gly1152Val; replaces glycine 1152 with valine.
Molecular consequence: missense variant.
Genome position (GRCh38, 1-based): chrX:77,681,801, C>A on the plus strand (G>T on the coding strand, the complement: ATRX is on the minus strand). VCF-style: chrX-77681801-C-A. GRCh37 (hg19) VCF-style: chrX-76937293-C-A.
Other names: c.3341G>T, p.Gly1114Val (NM_138270.5); short protein forms G1114V, G1152V.
Identifiers: ClinVar variation 1060864 (VCV001060864.9), dbSNP rs782023982, ClinGen allele CA10457958.